The following is an entry in ClinVar:

ClinVar aggregate classification (germline): Pathogenic. Review status: criteria provided, multiple submitters, no conflicts (2 of 4 stars). 8 submissions from 8 submitters: Pathogenic (6). 2 of the submissions do not count toward it. Last evaluated 2025-08-03.

Conditions:
Hereditary cancer-predisposing syndrome. Also called: Hereditary Cancer Syndrome; Neoplastic Syndromes, Hereditary; Hereditary neoplastic syndrome; Tumor predisposition. Identifiers: Orphanet 140162, MedGen C0027672, MeSH D009386, MONDO:0015356.
Familial cancer of breast. Also called: BREAST CANCER, FAMILIAL; Hereditary breast cancer; hereditary breast carcinoma. Identifiers: Orphanet 227535, MedGen C0346153, MONDO:0016419, OMIM 114480. Disease mechanism: loss of function.

Allele frequency attached by ClinVar (database versions not stated): gnomAD exomes below 0.00001.
gnomAD v4.1: 1 of 1,614,006 alleles (0.000062%); highest among the groups gnomAD compares: South Asian, 0.0011%; no homozygotes.

Submissions (8):

GeneDx
Classification: Pathogenic. Last evaluated: 2025-08-03. Review status: criteria provided, single submitter. Criteria: GeneDx Variant Classification Process June 2021. Collection method: clinical testing. Allele origin: germline. Affected: yes.
Comment: Nonsense variant predicted to result in protein truncation or nonsense mediated decay in a gene for which loss of function is a known mechanism of disease; Truncating variants in this gene are considered pathogenic by a well-established clinical consortium and/or database; Not observed at significant frequency in large population cohorts (gnomAD); This variant is associated with the following publications: (PMID: 24556926, 25099575, 32318955, 32339256)

Quest Diagnostics Nichols Institute San Juan Capistrano
Classification: Pathogenic. Last evaluated: 2024-09-05. Review status: criteria provided, single submitter. Criteria: Quest Diagnostics criteria. Collection method: clinical testing. Allele origin: unknown.
Comment: The PALB2 c.1108C>T (p.Gln370*) variant causes the premature termination of PALB2 protein synthesis. This variant has been reported in the published literature in individuals with a personal and/or family history of breast cancer (PMID: 32339256 (2020), 32318955 (2020), 25099575 (2014), 24556926 (2014)). This variant has not been reported in large, multi-ethnic general populations (Genome Aggregation Database). Based on the available information, this variant is classified as pathogenic.

Ambry Genetics
Classification: Pathogenic for Hereditary cancer-predisposing syndrome. Last evaluated: 2024-04-17. Review status: criteria provided, single submitter. Criteria: Ambry Variant Classification Scheme 2023. Collection method: clinical testing. Allele origin: germline.
Comment: The p.Q370* variant (also known as c.1108C>T), located in coding exon 4 of the PALB2 gene, results from a C to T substitution at nucleotide position 1108. This changes the amino acid from a glutamine to a stop codon within coding exon 4. This variant has been reported in patients with breast cancer (Antoniou AC et al. N Engl J Med, 2014 Aug;371:497-506; Catucci I et al. Genet Med, 2014 Sep;16:688-94). This variant is considered to be rare based on population cohorts in the Genome Aggregation Database (gnomAD). In addition to the clinical data presented in the literature, this alteration is expected to result in loss of function by premature protein truncation or nonsense-mediated mRNA decay. As such, this alteration is interpreted as a disease-causing mutation.

Labcorp Genetics (formerly Invitae), Labcorp
Classification: Pathogenic for Familial cancer of breast. Last evaluated: 2023-09-19. Review status: criteria provided, single submitter. Criteria: Invitae Variant Classification Sherloc (09022015). Collection method: clinical testing. Allele origin: germline.
Comment: This sequence change creates a premature translational stop signal (p.Gln370*) in the PALB2 gene. It is expected to result in an absent or disrupted protein product. Loss-of-function variants in PALB2 are known to be pathogenic (PMID: 17200668, 17200671, 17200672, 24136930, 25099575). For these reasons, this variant has been classified as Pathogenic. ClinVar contains an entry for this variant (Variation ID: 143961). This premature translational stop signal has been observed in individual(s) with breast cancer (PMID: 24556926, 32318955, 32339256). This variant is not present in population databases (gnomAD no frequency).

Myriad Genetics, Inc.
Classification: Pathogenic for Familial cancer of breast. Last evaluated: 2023-09-07. Review status: criteria provided, single submitter. Criteria: Myriad Autosomal Dominant, Autosomal Recessive and X-Linked Classification Criteria (2023). Collection method: clinical testing. Allele origin: unknown.
Comment: This variant is considered pathogenic. This variant creates a termination codon and is predicted to result in premature protein truncation.

Color Diagnostics, LLC DBA Color Health
Classification: Pathogenic for Hereditary cancer-predisposing syndrome. Last evaluated: 2020-06-22. Review status: criteria provided, single submitter. Criteria: ACMG Guidelines, 2015. Collection method: clinical testing. Allele origin: germline.
Comment: This variant changes 1 nucleotide in exon 4 of the PALB2 gene, creating a premature translation stop signal. This variant is expected to result in an absent or non-functional protein product. To our knowledge, functional studies have not been reported for this variant. This variant has been reported in individuals affected with breast cancer (PMID: 24556926, 25099575). This variant has not been identified in the general population by the Genome Aggregation Database (gnomAD). Loss of PALB2 function is a known mechanism of disease. Based on the available evidence, this variant is classified as Pathogenic.

Leiden Open Variation Database
Classification: Pathogenic for Familial cancer of breast. Last evaluated: 2019-05-13. Review status: no assertion criteria provided. Collection method: curation. Allele origin: germline. Affected: yes. Not counted in ClinVar's aggregate classification.
Comment: Curators: Marc Tischkowitz, Arleen D. Auerbach. Submitter to LOVD: Marc Tischkowitz.

SNPedia
Classification: Pathogenic. Review status: no assertion criteria provided. Collection method: not provided. Allele origin: germline. Not counted in ClinVar's aggregate classification.
ClinVar note: Converted during submission from pathogenic to Pathogenic.

Literature cited by the submitters: PubMed 24556926 (cited by 4 submitters); PubMed 32318955 (cited by Quest Diagnostics Nichols Institute San Juan Capistrano and Labcorp Genetics (formerly Invitae), Labcorp); PubMed 32339256 (cited by Quest Diagnostics Nichols Institute San Juan Capistrano and Labcorp Genetics (formerly Invitae), Labcorp); PubMed 25099575 (cited by 4 submitters); PubMed 17200668 (cited by Labcorp Genetics (formerly Invitae), Labcorp); PubMed 17200671 (cited by Labcorp Genetics (formerly Invitae), Labcorp); PubMed 17200672 (cited by Labcorp Genetics (formerly Invitae), Labcorp); PubMed 24136930 (cited by Labcorp Genetics (formerly Invitae), Labcorp).

NM_024675.4(PALB2):c.1108C>T (p.Gln370Ter)

Gene: PALB2 (partner and localizer of BRCA2; minus strand). Cytogenetic location: 16p12.2.
Variant type: single nucleotide variant.
Coding change: c.1108C>T on transcript NM_024675.4 (MANE Select); coding-DNA position 1108, C replaced by T.
Protein change: p.Gln370Ter; replaces glutamine 370 with a stop codon.
Molecular consequence: nonsense.
Genome position (GRCh38, 1-based): chr16:23,635,438, G>A on the plus strand (C>T on the coding strand, the complement: PALB2 is on the minus strand). VCF-style: chr16-23635438-G-A. GRCh37 (hg19) VCF-style: chr16-23646759-G-A.
Other names: short protein forms Q370*.
Identifiers: ClinVar variation 143961 (VCV000143961.14), dbSNP rs587776411, ClinGen allele CA294547.